The following is an entry in ClinVar:

ClinVar aggregate classification (germline): Likely benign (0 of 4 stars; one submission).

Conditions:
DKK1-related disorder. Also called: DKK1-related condition.

Allele frequency attached by ClinVar (database versions not stated): 1000 Genomes Project 30x 0.00172; 1000 Genomes Project 0.00180; TOPMed 0.00246; gnomAD 0.00269; ExAC 0.00305; ESP Exome Variant Server 0.00308.

Submission:

PreventionGenetics, part of Exact Sciences
Classification: Likely benign for DKK1-related condition. Last evaluated: 2022-12-28. Review status: no assertion criteria provided. Collection method: clinical testing. Allele origin: germline.
Comment: This variant is classified as likely benign based on ACMG/AMP sequence variant interpretation guidelines (Richards et al. 2015 PMID: 25741868, with internal and published modifications).

NM_012242.4(DKK1):c.359G>T (p.Arg120Leu)

Gene: DKK1 (dickkopf WNT signaling pathway inhibitor 1; plus strand). Cytogenetic location: 10q21.1.
Variant type: single nucleotide variant.
Coding change: c.359G>T on transcript NM_012242.4 (MANE Select); coding-DNA position 359, G replaced by T.
Protein change: p.Arg120Leu; replaces arginine 120 with leucine.
Molecular consequence: missense variant.
Genome position (GRCh38, 1-based): chr10:52,315,038, G>T. VCF-style: chr10-52315038-G-T. GRCh37 (hg19) VCF-style: chr10-54074798-G-T.
Other names: short protein forms R120L.
Identifiers: ClinVar variation 3037208 (VCV003037208.2), dbSNP rs149268042, ClinGen allele CA5504138.